The following is an entry in ClinVar:

ClinVar aggregate classification (germline): Pathogenic. Review status: criteria provided, multiple submitters, no conflicts (2 of 4 stars). 2 submissions from 2 submitters: Pathogenic (2). Last evaluated 2016-07-11.

Conditions:
Pheochromocytoma. Also called: MAX-Related Hereditary Paraganglioma-Pheochromocytoma Syndrome. Identifiers: Orphanet 29072, MedGen C0031511, MONDO:0008233, OMIM 171300, HP:0002666.
Carney-Stratakis syndrome. Also called: PARAGANGLIOMA AND GASTROINTESTINAL STROMAL TUMOR. Identifiers: Orphanet 97286, MedGen C1847319, MONDO:0011740, OMIM 606864.
Paragangliomas with sensorineural hearing loss. Identifiers: MedGen C1868633.
Cowden syndrome 3 (CWS3). Identifiers: Orphanet 201, MedGen CN166604, MONDO:0014045.
Hereditary cancer-predisposing syndrome. Also called: Neoplastic Syndromes, Hereditary; Tumor predisposition; Hereditary Cancer Syndrome; Hereditary neoplastic syndrome. Identifiers: Orphanet 140162, MedGen C0027672, MeSH D009386, MONDO:0015356.

Submissions (2):

Ambry Genetics
Classification: Pathogenic for Hereditary cancer-predisposing syndrome. Last evaluated: 2016-07-11. Review status: criteria provided, single submitter. Criteria: Ambry Variant Classification Scheme 2023. Collection method: clinical testing. Allele origin: germline.
Comment: The p.W105* pathogenic mutation (also known as c.315G>A), located in coding exon 4 of the SDHD gene, results from a G to A substitution at nucleotide position 315. This changes the amino acid from a tryptophan to a stop codon within coding exon 4. An adjacent nucleotide change, c.314G>A, which results in the same stop codon, was reported in multiple patients diagnosed with paragangliomas (Fishbein L et al. Ann Surg Oncol. 2013 May;20(5):1444-50). Based on the available evidence, this alteration is interpreted as a disease-causing mutation.

Labcorp Genetics (formerly Invitae), Labcorp
Classification: Pathogenic for Carney-Stratakis syndrome; Paragangliomas with sensorineural hearing loss; Pheochromocytoma; Cowden syndrome 3. Last evaluated: 2016-06-14. Review status: criteria provided, single submitter. Criteria: Invitae Variant Classification Sherloc (09022015). Collection method: clinical testing. Allele origin: germline.
Comment: While no functional studies have been performed to test the effects of this particular variant on SDHD protein function or stability, it deletes 55 C-terminal amino acid residues from the SDHD protein. A founder mutation (p.Leu139Pro) has been reported in this region (PMID: 21348866, 11391798), and a downstream truncating variant has been classified as likely pathogenic in the Invitae database, indicating that the C-terminal amino acid residues may be critical for SDHD function. This particular variant has not been reported in the literature, but a different variant (c.314G>A) with the same protein effect (p.Trp105*) has been reported in an individual affected with pheochromocytomas (PCC) and paragangliomas (PGL) (PMID: 23512077). For these reasons, this variant has been classified as Pathogenic. This variant is not present in population databases (ExAC no frequency). This sequence change results in a premature translational stop signal in the last exon of the SDHD mRNA at codon 105 (p.Trp105*). While this is not anticipated to result in nonsense mediated decay, it is expected to create a truncated SDHD protein.

Literature cited by the submitters: PubMed 23512077 (cited by Ambry Genetics and Labcorp Genetics (formerly Invitae), Labcorp); PubMed 21348866 (cited by Labcorp Genetics (formerly Invitae), Labcorp); PubMed 11391798 (cited by Labcorp Genetics (formerly Invitae), Labcorp).

NM_003002.4(SDHD):c.315G>A (p.Trp105Ter)

Gene: SDHD (succinate dehydrogenase complex subunit D; plus strand). Cytogenetic location: 11q23.1.
Variant type: single nucleotide variant.
Coding change: c.315G>A on transcript NM_003002.4 (MANE Select); coding-DNA position 315, G replaced by A.
Protein change: p.Trp105Ter; replaces tryptophan 105 with a stop codon.
Molecular consequence: nonsense. On other transcripts: 3 prime UTR variant (1), non-coding transcript variant (1).
Genome position (GRCh38, 1-based): chr11:112,094,805, G>A. VCF-style: chr11-112094805-G-A. GRCh37 (hg19) VCF-style: chr11-111965529-G-A.
Other names: c.170G>A, p.Trp57Ter (NM_001276503.2); c.198G>A, p.Trp66Ter (NM_001276504.2); c.*13G>A (NM_001276506.2); short protein forms W105*, W66*, W57*.
Identifiers: ClinVar variation 412497 (VCV000412497.11), dbSNP rs1060503769, ClinGen allele CA16613226.